The following is an entry in ClinVar:

NM_018706.7(DHTKD1):c.643A>G (p.Thr215Ala)

Gene: DHTKD1 (dehydrogenase E1 and transketolase domain containing 1; plus strand). Cytogenetic location: 10p14.
Variant type: single nucleotide variant.
Coding change: c.643A>G on transcript NM_018706.7 (MANE Select); coding-DNA position 643, A replaced by G.
Protein change: p.Thr215Ala; replaces threonine 215 with alanine.
Molecular consequence: missense variant.
Genome position (GRCh38, 1-based): chr10:12,087,655, A>G. VCF-style: chr10-12087655-A-G. GRCh37 (hg19) VCF-style: chr10-12129654-A-G.
Other names: short protein forms T215A.
Identifiers: ClinVar variation 3636202 (VCV003636202.2).

ClinVar aggregate classification (germline): Uncertain significance (1 of 4 stars; one submission).

Conditions:
2-aminoadipic 2-oxoadipic aciduria (AAKAD). Also called: Aminoadipic aciduria; ALPHA-AMINOADIPIC AND ALPHA-KETOADIPIC ACIDURIA. Identifiers: Orphanet 79154, MedGen C1859817, MONDO:0008774, OMIM 204750.

gnomAD v4.1: 2 of 1,614,004 alleles (0.00012%); highest among the groups gnomAD compares: Non-Finnish European, 0.00017%; no homozygotes.

Submission:

Labcorp Genetics (formerly Invitae), Labcorp
Classification: Uncertain significance for 2-aminoadipic 2-oxoadipic aciduria. Last evaluated: 2024-09-18. Review status: criteria provided, single submitter. Criteria: Invitae Variant Classification Sherloc (09022015). Collection method: clinical testing. Allele origin: germline.
Comment: This sequence change replaces threonine, which is neutral and polar, with alanine, which is neutral and non-polar, at codon 215 of the DHTKD1 protein (p.Thr215Ala). This variant is present in population databases (no rsID available, gnomAD 0.007%). This variant has not been reported in the literature in individuals affected with DHTKD1-related conditions. Invitae Evidence Modeling of protein sequence and biophysical properties (such as structural, functional, and spatial information, amino acid conservation, physicochemical variation, residue mobility, and thermodynamic stability) indicates that this missense variant is not expected to disrupt DHTKD1 protein function with a negative predictive value of 80%. In summary, the available evidence is currently insufficient to determine the role of this variant in disease. Therefore, it has been classified as a Variant of Uncertain Significance.